The following is an entry in ClinVar:

NM_015425.6(POLR1A):c.2602G>A (p.Glu868Lys)

Gene: POLR1A (RNA polymerase I subunit A; minus strand). Cytogenetic location: 2p11.2.
Variant type: single nucleotide variant.
Coding change: c.2602G>A on transcript NM_015425.6 (MANE Select); coding-DNA position 2602, G replaced by A.
Protein change: p.Glu868Lys; replaces glutamic acid 868 with lysine.
Molecular consequence: missense variant.
Genome position (GRCh38, 1-based): chr2:86,048,916, C>T on the plus strand (G>A on the coding strand, the complement: POLR1A is on the minus strand). VCF-style: chr2-86048916-C-T. GRCh37 (hg19) VCF-style: chr2-86276039-C-T.
Other names: short protein forms E868K.
Identifiers: ClinVar variation 4702863 (VCV004702863.1).

ClinVar aggregate classification (germline): Uncertain significance (1 of 4 stars; one submission).

gnomAD v4.1: 4 of 1,614,188 alleles (0.00025%); highest among the groups gnomAD compares: Admixed American, 0.0017%; no homozygotes.

Submission:

Labcorp Genetics (formerly Invitae), Labcorp
Classification: Uncertain significance. Last evaluated: 2026-01-06. Review status: criteria provided, single submitter. Criteria: Invitae Variant Classification Sherloc (09022015). Collection method: clinical testing. Allele origin: germline.
Comment: This sequence change replaces glutamic acid, which is acidic and polar, with lysine, which is basic and polar, at codon 868 of the POLR1A protein (p.Glu868Lys). This variant is not present in population databases (gnomAD no frequency). This variant has not been reported in the literature in individuals affected with POLR1A-related conditions. Invitae Evidence Modeling of protein sequence and biophysical properties (such as structural, functional, and spatial information, amino acid conservation, physicochemical variation, residue mobility, and thermodynamic stability) indicates that this missense variant is not expected to disrupt POLR1A protein function with a negative predictive value of 80%. In summary, the available evidence is currently insufficient to determine the role of this variant in disease. Therefore, it has been classified as a Variant of Uncertain Significance.